The following is an entry in ClinVar:

ClinVar aggregate classification (germline): Uncertain significance (1 of 4 stars; one submission).

Conditions:
Hypertrophic cardiomyopathy 14. Identifiers: MedGen C2750467, MONDO:0013197, OMIM 613251.

Allele frequency attached by ClinVar (database versions not stated): gnomAD exomes below 0.00001.
gnomAD v4.1: 1 of 1,614,128 alleles (0.000062%); highest among the groups gnomAD compares: Non-Finnish European, 0.000085%; no homozygotes.

Submission:

Labcorp Genetics (formerly Invitae), Labcorp
Classification: Uncertain significance for Hypertrophic cardiomyopathy 14. Last evaluated: 2022-04-28. Review status: criteria provided, single submitter. Criteria: Invitae Variant Classification Sherloc (09022015). Collection method: clinical testing. Allele origin: germline.
Comment: This sequence change replaces glutamine, which is neutral and polar, with glutamic acid, which is acidic and polar, at codon 1644 of the MYH6 protein (p.Gln1644Glu). In summary, the available evidence is currently insufficient to determine the role of this variant in disease. Therefore, it has been classified as a Variant of Uncertain Significance. Algorithms developed to predict the effect of missense changes on protein structure and function (SIFT, PolyPhen-2, Align-GVGD) all suggest that this variant is likely to be tolerated. This variant has not been reported in the literature in individuals affected with MYH6-related conditions. This variant is not present in population databases (gnomAD no frequency).

NM_002471.4(MYH6):c.4930C>G (p.Gln1644Glu)

Genes: MYH6 (myosin heavy chain 6; minus strand), LOC126861896 (BRD4-independent group 4 enhancer GRCh37_chr14:23854904-23856103; plus strand). Cytogenetic location: 14q11.2.
Variant type: single nucleotide variant.
Coding change: c.4930C>G on transcript NM_002471.4 (MANE Select); coding-DNA position 4930, C replaced by G.
Protein change: p.Gln1644Glu; replaces glutamine 1644 with glutamic acid.
Molecular consequence: missense variant.
Genome position (GRCh38, 1-based): chr14:23,386,344, G>C on the plus strand (C>G on the coding strand, the complement: MYH6 is on the minus strand). VCF-style: chr14-23386344-G-C. GRCh37 (hg19) VCF-style: chr14-23855553-G-C.
Other names: short protein forms Q1644E.
Identifiers: ClinVar variation 2131101 (VCV002131101.4), dbSNP rs2502143127, ClinGen allele CA388991037.